The following is an entry in ClinVar:

NM_004006.3(DMD):c.9774C>A (p.Asn3258Lys)

Gene: DMD (dystrophin; minus strand). Cytogenetic location: Xp21.2.
Variant type: single nucleotide variant.
Coding change: c.9774C>A on transcript NM_004006.3 (MANE Select); coding-DNA position 9774, C replaced by A.
Protein change: p.Asn3258Lys; replaces asparagine 3258 with lysine.
Molecular consequence: missense variant.
Genome position (GRCh38, 1-based): chrX:31,203,994, G>T on the plus strand (C>A on the coding strand, the complement: DMD is on the minus strand). VCF-style: chrX-31203994-G-T. GRCh37 (hg19) VCF-style: chrX-31222111-G-T.
Other names: c.9750C>A, p.Asn3250Lys (NM_000109.4); c.9762C>A, p.Asn3254Lys (NM_004009.3); c.9405C>A, p.Asn3135Lys (NM_004010.3); c.5751C>A, p.Asn1917Lys (NM_004011.4); c.5742C>A, p.Asn1914Lys (NM_004012.4); c.2394C>A, p.Asn798Lys (NM_004013.3, NM_004020.4, NM_004021.3 and 2 more transcripts); c.1587C>A, p.Asn529Lys (NM_004014.3); c.570C>A, p.Asn190Lys (NM_004015.3, NM_004016.3, NM_004017.3 and 2 more transcripts); short protein forms N190K, N3135K, N3258K, N3254K, N798K, N3250K, N529K, N1914K.
Identifiers: ClinVar variation 2743154 (VCV002743154.3), dbSNP rs2521057013, ClinGen allele CA412648416.

ClinVar aggregate classification (germline): Uncertain significance (1 of 4 stars; one submission).

Conditions:
Duchenne muscular dystrophy (DMD). Also called: MUSCULAR DYSTROPHY, PSEUDOHYPERTROPHIC PROGRESSIVE, DUCHENNE TYPE; Duchenne Muscular Dystrophy (DMD). Identifiers: Orphanet 98896, MedGen C0013264, MONDO:0010679, OMIM 310200.

Submission:

Labcorp Genetics (formerly Invitae), Labcorp
Classification: Uncertain significance for Duchenne muscular dystrophy. Last evaluated: 2023-07-13. Review status: criteria provided, single submitter. Criteria: Invitae Variant Classification Sherloc (09022015). Collection method: clinical testing. Allele origin: germline.
Comment: This variant has not been reported in the literature in individuals affected with DMD-related conditions. This variant is not present in population databases (gnomAD no frequency). This sequence change replaces asparagine, which is neutral and polar, with lysine, which is basic and polar, at codon 3258 of the DMD protein (p.Asn3258Lys). In summary, the available evidence is currently insufficient to determine the role of this variant in disease. Therefore, it has been classified as a Variant of Uncertain Significance. Advanced modeling of protein sequence and biophysical properties (such as structural, functional, and spatial information, amino acid conservation, physicochemical variation, residue mobility, and thermodynamic stability) performed at Invitae indicates that this missense variant is not expected to disrupt DMD protein function.